The following is an entry in ClinVar:

ClinVar aggregate classification (germline): Pathogenic/Likely pathogenic. Review status: criteria provided, multiple submitters, no conflicts (2 of 4 stars). 4 submissions from 4 submitters: Pathogenic (3); Likely pathogenic (1). Last evaluated 2025-07-06.

Conditions:
Usher syndrome type 2A. Also called: RETINAL DISEASE IN USHER SYNDROME TYPE IIA, MODIFIER OF; USHER SYNDROME, TYPE IIA. Identifiers: Orphanet 231178, Orphanet 886, MedGen C1848634, MONDO:0010169, OMIM 276901.
Retinitis pigmentosa 39 (RP39). Identifiers: Orphanet 791, MedGen C3151138, MONDO:0013436, OMIM 613809.

Allele frequency attached by ClinVar (database versions not stated): gnomAD exomes below 0.00001.
gnomAD v4.1: 1 of 1,614,146 alleles (0.000062%); highest among the groups gnomAD compares: East Asian, 0.0022%; no homozygotes.

Submissions (4):

Natera, Inc.
Classification: Pathogenic for Usher syndrome type 2A. Last evaluated: 2025-07-06. Review status: criteria provided, single submitter. Criteria: Natera Variant Classification Schema (03/2026). Collection method: clinical testing. Allele origin: germline.
Comment: The c.11806A>C variant in USH2A is a missense variant predicted to cause substitution of threonine to proline at amino acid 3936. This variant is rare in the general population with a frequency below the threshold expected for the associated phenotype(s). This variant has been observed in one or more individuals affected with the associated recessive disease, as either homozygous or compound heterozygous with a second variant (PMID: 36110214, 33124170, 32188678, 19023448). Computational prediction algorithms indicate this variant is likely to affect gene or protein function. Given the available evidence, this variant is classified as Pathogenic.

Baylor Genetics
Classification: Pathogenic for Retinitis pigmentosa 39. Last evaluated: 2024-03-25. Review status: criteria provided, single submitter. Criteria: ACMG Guidelines, 2015. Collection method: clinical testing. Allele origin: unknown.

3billion
Classification: Likely pathogenic for Usher syndrome type 2A; Retinitis pigmentosa 39. Last evaluated: 2024-02-26. Review status: criteria provided, single submitter. Criteria: ACMG Guidelines, 2015. Collection method: clinical testing. Allele origin: germline. Affected: yes.
Comment: The variant is not observed in the gnomAD v2.1.1 dataset. Predicted Consequence/Location: The majority of the known disease-causing variants of this gene are variants expected to result in premature termination of the protein. In silico tool predictions suggest damaging effect of the variant on gene or gene product [REVEL: 0.49 (>=0.6, sensitivity 0.68 and specificity 0.92); 3Cnet: 0.64 (>=0.6, sensitivity 0.72 and precision 0.9)]. Same nucleotide change resulting in same amino acid change has been previously reported to be associated with USH2A related disorder (ClinVar ID: VCV001516972 /PMID: 19023448). The variant has been reported to be in trans with a pathogenic variant as either compound heterozygous or homozygous in at least 2 similarly affected unrelated individuals (PMID: 19023448, 30029497, 33124170). Therefore, this variant is classified as Likely pathogenic according to the recommendation of ACMG/AMP guideline.

Labcorp Genetics (formerly Invitae), Labcorp
Classification: Pathogenic. Last evaluated: 2022-08-16. Review status: criteria provided, single submitter. Criteria: Invitae Variant Classification Sherloc (09022015). Collection method: clinical testing. Allele origin: germline.
Comment: For these reasons, this variant has been classified as Pathogenic. Algorithms developed to predict the effect of missense changes on protein structure and function (SIFT, PolyPhen-2, Align-GVGD) all suggest that this variant is likely to be disruptive. ClinVar contains an entry for this variant (Variation ID: 1516972). This missense change has been observed in individual(s) with USH2A-related conditions (PMID: 19023448, 30029497, 31054281, 33124170). In at least one individual the data is consistent with being in trans (on the opposite chromosome) from a pathogenic variant. This variant is not present in population databases (gnomAD no frequency). This sequence change replaces threonine, which is neutral and polar, with proline, which is neutral and non-polar, at codon 3936 of the USH2A protein (p.Thr3936Pro).

Literature cited by the submitters: PubMed 36110214 (cited by Natera, Inc.); PubMed 33124170 (cited by 3 submitters); PubMed 32188678 (cited by Natera, Inc.); PubMed 19023448 (cited by 3 submitters); PubMed 30029497 (cited by 3billion and Labcorp Genetics (formerly Invitae), Labcorp); PubMed 31054281 (cited by Labcorp Genetics (formerly Invitae), Labcorp).

NM_206933.4(USH2A):c.11806A>C (p.Thr3936Pro)

Gene: USH2A (usherin; minus strand). Cytogenetic location: 1q41.
Variant type: single nucleotide variant.
Coding change: c.11806A>C on transcript NM_206933.4 (MANE Select); coding-DNA position 11806, A replaced by C.
Protein change: p.Thr3936Pro; replaces threonine 3936 with proline.
Molecular consequence: missense variant.
Genome position (GRCh38, 1-based): chr1:215,728,290, T>G on the plus strand (A>C on the coding strand, the complement: USH2A is on the minus strand). VCF-style: chr1-215728290-T-G. GRCh37 (hg19) VCF-style: chr1-215901632-T-G.
Other names: c.11806A>C (NM_206933.2); short protein forms T3936P.
Identifiers: ClinVar variation 1516972 (VCV001516972.11), dbSNP rs2102713705, ClinGen allele CA344829290.